The following is an entry in ClinVar:

ClinVar aggregate classification (germline): Uncertain significance (0 of 4 stars; one submission).

Conditions:
DYRK1B-related disorder. Also called: DYRK1B-related condition.

Submission:

PreventionGenetics, part of Exact Sciences
Classification: Uncertain significance for DYRK1B-related condition. Last evaluated: 2024-03-29. Review status: no assertion criteria provided. Collection method: clinical testing. Allele origin: germline.
Comment: The DYRK1B c.1883G>A variant is predicted to result in the amino acid substitution p.Ser628Asn. To our knowledge, this variant has not been reported in the literature or in a large population database, indicating this variant is rare. At this time, the clinical significance of this variant is uncertain due to the absence of conclusive functional and genetic evidence.

NM_004714.3(DYRK1B):c.1883G>A (p.Ser628Asn)

Gene: DYRK1B (dual specificity tyrosine phosphorylation regulated kinase 1B; minus strand). Cytogenetic location: 19q13.2.
Variant type: single nucleotide variant.
Coding change: c.1883G>A on transcript NM_004714.3 (MANE Select); coding-DNA position 1883, G replaced by A.
Protein change: p.Ser628Asn; replaces serine 628 with asparagine.
Molecular consequence: missense variant.
Genome position (GRCh38, 1-based): chr19:39,825,722, C>T on the plus strand (G>A on the coding strand, the complement: DYRK1B is on the minus strand). VCF-style: chr19-39825722-C-T. GRCh37 (hg19) VCF-style: chr19-40316362-C-T.
Other names: c.1763G>A, p.Ser588Asn (NM_006483.3); c.1799G>A, p.Ser600Asn (NM_006484.3); short protein forms S588N, S600N, S628N.
Identifiers: ClinVar variation 3348746 (VCV003348746.1).